The following is an entry in ClinVar:

ClinVar aggregate classification (germline): Uncertain significance (1 of 4 stars; one submission).

Conditions:
Hereditary pancreatitis (PCTT). Also called: Hereditary chronic pancreatitis; PRSS1-Related Hereditary Pancreatitis. Identifiers: Orphanet 676, MedGen C0238339, MONDO:0008185, OMIM 167800.

Submission:

Ambry Genetics
Classification: Uncertain significance for Hereditary pancreatitis. Last evaluated: 2025-10-03. Review status: criteria provided, single submitter. Criteria: Ambry Variant Classification Scheme 2023. Collection method: clinical testing. Allele origin: germline.
Comment: The p.A34P variant (also known as c.100G>C), located in coding exon 2 of the CPA1 gene, results from a G to C substitution at nucleotide position 100. The alanine at codon 34 is replaced by proline, an amino acid with highly similar properties. This amino acid position is conserved. In addition, this alteration is predicted to be tolerated by in silico analysis. Based on the available evidence, the clinical significance of this variant remains unclear.

NM_001868.4(CPA1):c.100G>C (p.Ala34Pro)

Gene: CPA1 (carboxypeptidase A1; plus strand). Cytogenetic location: 7q32.2.
Variant type: single nucleotide variant.
Coding change: c.100G>C on transcript NM_001868.4 (MANE Select); coding-DNA position 100, G replaced by C.
Protein change: p.Ala34Pro; replaces alanine 34 with proline.
Molecular consequence: missense variant.
Genome position (GRCh38, 1-based): chr7:130,381,132, G>C. VCF-style: chr7-130381132-G-C. GRCh37 (hg19) VCF-style: chr7-130020973-G-C.
Other names: short protein forms A34P.
Identifiers: ClinVar variation 4559536 (VCV004559536.1).
Genomic context (GRCh38, chr7:130,381,132, plus strand): 5'-TCACTCCCCACTCCCACTCTGCCCAGGCATCAGGTGCTCCGAATCTCTGTAGCCGATGAG[G>C]CCCAGGTACAGAAGGTGAAGGAGCTGGAGGACCTGGAGCACCTGCAGGTCAGAAGAGGGG-3'
Protein context (NP_001859.1, residues 24-44): QVLRISVADE[Ala34Pro]QVQKVKELED